The following is an entry in ClinVar:

NM_001130965.3(SUN1):c.2320C>G (p.Leu774Val)

Gene: SUN1 (Sad1 and UNC84 domain containing 1; plus strand). Cytogenetic location: 7p22.3.
Variant type: single nucleotide variant.
Coding change: c.2320C>G on transcript NM_001130965.3 (MANE Select); coding-DNA position 2320, C replaced by G.
Protein change: p.Leu774Val; replaces leucine 774 with valine.
Molecular consequence: missense variant. On other transcripts: 3 prime UTR variant (1), non-coding transcript variant (3).
Genome position (GRCh38, 1-based): chr7:873,293, C>G. VCF-style: chr7-873293-C-G. GRCh37 (hg19) VCF-style: chr7-912930-C-G.
Other names: c.2011C>G, p.Leu671Val (NM_001171944.2); c.2320C>G, p.Leu774Val (NM_001367633.1, NM_001367634.1); c.1969C>G, p.Leu657Val (NM_001367635.1); c.2467C>G, p.Leu823Val (NM_001367636.1); c.2428C>G, p.Leu810Val (NM_001367638.1); c.1861C>G, p.Leu621Val (NM_001367639.1); c.2500C>G, p.Leu834Val (NM_001367640.1); c.2602C>G, p.Leu868Val (NM_001367641.1); and 56 more; short protein forms L692V, L713V, L724V, L728V, L748V, L751V, L763V, L778V.
Identifiers: ClinVar variation 2912193 (VCV002912193.3), dbSNP rs761425234, ClinGen allele CA4112561.

ClinVar aggregate classification (germline): Uncertain significance (1 of 4 stars; one submission).

Conditions:
Emery-Dreifuss muscular dystrophy (EDMD). Also called: Scapuloperoneal syndrome, X-linked (formerly); Humeroperoneal neuromuscular disease, (formerly). Identifiers: Orphanet 261, MedGen C0410189, MONDO:0016830.

Allele frequency attached by ClinVar (database versions not stated): gnomAD exomes 0.00001; ExAC 0.00002.
gnomAD v4.1: 5 of 1,614,240 alleles (0.00031%); highest among the groups gnomAD compares: Non-Finnish European, 0.00034%; no homozygotes.

Submission:

Labcorp Genetics (formerly Invitae), Labcorp
Classification: Uncertain significance for Emery-Dreifuss muscular dystrophy. Last evaluated: 2025-11-27. Review status: criteria provided, single submitter. Criteria: Invitae Variant Classification Sherloc (09022015). Collection method: clinical testing. Allele origin: germline.
Comment: This sequence change replaces leucine, which is neutral and non-polar, with valine, which is neutral and non-polar, at codon 774 of the SUN1 protein (p.Leu774Val). This variant is present in population databases (rs761425234, gnomAD 0.003%). This variant has not been reported in the literature in individuals affected with SUN1-related conditions. ClinVar contains an entry for this variant (Variation ID: 2912193). An algorithm developed to predict the effect of missense changes on protein structure and function (PolyPhen-2) suggests that this variant is likely to be disruptive. In summary, the available evidence is currently insufficient to determine the role of this variant in disease. Therefore, it has been classified as a Variant of Uncertain Significance.